The following is an entry in ClinVar:

NM_001040142.2(SCN2A):c.444G>A (p.Met148Ile)

Gene: SCN2A (sodium voltage-gated channel alpha subunit 2; plus strand). Cytogenetic location: 2q24.3.
Variant type: single nucleotide variant.
Coding change: c.444G>A on transcript NM_001040142.2 (MANE Select); coding-DNA position 444, G replaced by A.
Protein change: p.Met148Ile; replaces methionine 148 with isoleucine.
Molecular consequence: missense variant.
Genome position (GRCh38, 1-based): chr2:165,307,905, G>A. VCF-style: chr2-165307905-G-A. GRCh37 (hg19) VCF-style: chr2-166164415-G-A.
Other names: c.444G>A, p.Met148Ile (NM_001040143.2, NM_001371246.1, NM_001371247.1 and 1 more transcripts); c.444G>A (NM_021007.2); short protein forms M148I.
Identifiers: ClinVar variation 2000273 (VCV002000273.5), dbSNP rs1190171851, ClinGen allele CA349015283.

ClinVar aggregate classification (germline): Uncertain significance. Review status: criteria provided, multiple submitters, no conflicts (2 of 4 stars). 2 submissions from 2 submitters: Uncertain significance (2). Last evaluated 2024-11-13.

Conditions:
Developmental and epileptic encephalopathy, 11 (DEE11). Also called: Early infantile epileptic encephalopathy 11. Identifiers: Orphanet 1934, MedGen C3150987, MONDO:0013388, OMIM 613721.
Seizures, benign familial infantile, 3 (BFIS3). Also called: Familial neonatal seizures; CONVULSIONS, BENIGN FAMILIAL INFANTILE, 3. Identifiers: Orphanet 140927, Orphanet 306, MedGen C1843140, MONDO:0011904, OMIM 607745.

Submissions (2):

GeneDx
Classification: Uncertain significance. Last evaluated: 2024-11-13. Review status: criteria provided, single submitter. Criteria: GeneDx Variant Classification Process June 2021. Collection method: clinical testing. Allele origin: germline. Affected: yes.
Comment: Not observed at significant frequency in large population cohorts (gnomAD); In silico analysis indicates that this missense variant does not alter protein structure/function; Has not been previously published as pathogenic or benign to our knowledge; This substitution is predicted to be within the transmembrane segment S1 of the first homologous domain

Labcorp Genetics (formerly Invitae), Labcorp
Classification: Uncertain significance for Seizures, benign familial infantile, 3; Developmental and epileptic encephalopathy, 11. Last evaluated: 2022-06-01. Review status: criteria provided, single submitter. Criteria: Invitae Variant Classification Sherloc (09022015). Collection method: clinical testing. Allele origin: germline.
Comment: This sequence change replaces methionine, which is neutral and non-polar, with isoleucine, which is neutral and non-polar, at codon 148 of the SCN2A protein (p.Met148Ile). This variant is not present in population databases (gnomAD no frequency). This variant has not been reported in the literature in individuals affected with SCN2A-related conditions. Algorithms developed to predict the effect of missense changes on protein structure and function (SIFT, PolyPhen-2, Align-GVGD) all suggest that this variant is likely to be tolerated. In summary, the available evidence is currently insufficient to determine the role of this variant in disease. Therefore, it has been classified as a Variant of Uncertain Significance.